The following is an entry in ClinVar:

NM_001365276.2(TNXB):c.9421T>A (p.Ser3141Thr)

Gene: TNXB (tenascin XB; minus strand). Cytogenetic location: 6p21.33.
Variant type: single nucleotide variant.
Coding change: c.9421T>A on transcript NM_001365276.2 (MANE Select); coding-DNA position 9421, T replaced by A.
Protein change: p.Ser3141Thr; replaces serine 3141 with threonine.
Molecular consequence: missense variant.
Genome position (GRCh38, 1-based): chr6:32,050,016, A>T on the plus strand (T>A on the coding strand, the complement: TNXB is on the minus strand). VCF-style: chr6-32050016-A-T. GRCh37 (hg19) VCF-style: chr6-32017793-A-T.
Other names: c.9415T>A, p.Ser3139Thr (NM_019105.8); short protein forms S3139T, S3141T.
Identifiers: ClinVar variation 1254801 (VCV001254801.13), dbSNP rs200416489, ClinGen allele CA3733544.
Genomic context (GRCh38, chr6:32,050,016, plus strand): 5'-CCTCCCACAGCTCCCACCCTGGGGCTCCCATCATTCACTCACCCGTCACCCCAATGGCAG[A>T]CACAGGGCCTACGCGCTGGCCACCGTGGAAGCCGTACAGGTTCATCTTGTATTTATGGTC-3'
Protein context (NP_001352205.1, residues 3131-3151): FHGGQRVGPV[Ser3141Thr]AIGVTEEETP

ClinVar aggregate classification (germline): Conflicting classifications of pathogenicity. Review status: criteria provided, conflicting classifications (1 of 4 stars). 5 submissions from 5 submitters: Uncertain significance (3); Likely benign (2). Last evaluated 2025-10-30.

Conditions:
Cardiovascular phenotype. Identifiers: MedGen CN230736.
Ehlers-Danlos syndrome (EDS). Identifiers: Orphanet 98249, MedGen C0013720, MONDO:0020066.

Allele frequency attached by ClinVar (database versions not stated): gnomAD exomes 0.00003 and 0.00006; ExAC 0.00006; gnomAD 0.00046 and 0.00050; TOPMed 0.00051; ESP Exome Variant Server 0.00052.
gnomAD v4.1: 114 of 1,613,718 alleles (0.0071%); highest among the groups gnomAD compares: African/African-American, 0.14%; no homozygotes.

Submissions (5):

Women's Health and Genetics/Laboratory Corporation of America, LabCorp
Classification: Likely benign. Last evaluated: 2025-10-30. Review status: criteria provided, single submitter. Criteria: LabCorp Variant Classification Summary - May 2015. Collection method: clinical testing. Allele origin: germline.
Comment: Variant summary: TNXB c.9415T>A (p.Ser3139Thr) results in a conservative amino acid change in the encoded protein sequence. Algorithms developed to predict the effect of missense changes on protein structure and function all suggest that this variant is likely to be tolerated. The variant allele was found at a frequency of 7.1e-05 in 1613718 control chromosomes, predominantly at a frequency of 0.0014 within the African or African-American subpopulation in the gnomAD database. The observed variant frequency within African or African-American control individuals in the gnomAD database exceeds the estimated maximal expected allele frequency for disease-causing variants in TNXB. To our knowledge, no occurrence of c.9415T>A in individuals affected with TNXB-related conditions and no experimental evidence demonstrating its impact on protein function have been reported. ClinVar contains an entry for this variant (Variation ID: 1254801). Based on the evidence outlined above, the variant was classified as likely benign.

Ambry Genetics
Classification: Likely benign for Cardiovascular phenotype. Last evaluated: 2025-07-16. Review status: criteria provided, single submitter. Criteria: Ambry Variant Classification Scheme 2023. Collection method: clinical testing. Allele origin: germline.

GeneDx
Classification: Uncertain significance. Last evaluated: 2023-07-27. Review status: criteria provided, single submitter. Criteria: GeneDx Variant Classification Process June 2021. Collection method: clinical testing. Allele origin: germline. Affected: yes.
Comment: Has not been previously published as pathogenic or benign to our knowledge; In silico analysis supports that this missense variant does not alter protein structure/function

Genome Diagnostics Laboratory, The Hospital for Sick Children
Classification: Uncertain significance for Ehlers-Danlos syndrome. Last evaluated: 2020-05-01. Review status: criteria provided, single submitter. Criteria: ACMG Guidelines, 2015. Collection method: clinical testing. Allele origin: germline.

Breakthrough Genomics
Classification: Uncertain significance. Review status: criteria provided, single submitter. Criteria: ACMG Guidelines, 2015. Collection method: not provided. Allele origin: germline. Inheritance: Autosomal recessive inheritance. Affected: yes.